The following is an entry in ClinVar:

NM_001023570.4(IQCB1):c.514T>A (p.Leu172Ile)

Gene: IQCB1 (IQ motif containing B1; minus strand). Cytogenetic location: 3q13.33.
Variant type: single nucleotide variant.
Coding change: c.514T>A on transcript NM_001023570.4 (MANE Select); coding-DNA position 514, T replaced by A.
Protein change: p.Leu172Ile; replaces leucine 172 with isoleucine.
Molecular consequence: missense variant. On other transcripts: non-coding transcript variant (1).
Genome position (GRCh38, 1-based): chr3:121,807,417, A>T on the plus strand (T>A on the coding strand, the complement: IQCB1 is on the minus strand). VCF-style: chr3-121807417-A-T. GRCh37 (hg19) VCF-style: chr3-121526264-A-T.
Other names: c.514T>A, p.Leu172Ile (NM_001023571.4, NM_001319107.2); short protein forms L172I.
Identifiers: ClinVar variation 938345 (VCV000938345.9), dbSNP rs139516260, ClinGen allele CA2567383.

ClinVar aggregate classification (germline): Uncertain significance (1 of 4 stars; one submission).

Conditions:
Nephronophthisis. Also called: Juvenile Nephronophthisis. Identifiers: Orphanet 655, MedGen C0687120, MONDO:0019005, HP:0000090.

Allele frequency attached by ClinVar (database versions not stated): gnomAD exomes below 0.00001 and 0.00001; gnomAD 0.00001; ExAC 0.00002; TOPMed 0.00002; ESP Exome Variant Server 0.00008.
gnomAD v4.1: 3 of 1,553,284 alleles (0.00019%); highest among the groups gnomAD compares: African/African-American, 0.0027%; no homozygotes.

Submission:

Labcorp Genetics (formerly Invitae), Labcorp
Classification: Uncertain significance for Nephronophthisis. Last evaluated: 2023-10-03. Review status: criteria provided, single submitter. Criteria: Invitae Variant Classification Sherloc (09022015). Collection method: clinical testing. Allele origin: germline.
Comment: This sequence change replaces leucine, which is neutral and non-polar, with isoleucine, which is neutral and non-polar, at codon 172 of the IQCB1 protein (p.Leu172Ile). This variant is present in population databases (rs139516260, gnomAD 0.007%). This variant has not been reported in the literature in individuals affected with IQCB1-related conditions. ClinVar contains an entry for this variant (Variation ID: 938345). Advanced modeling of protein sequence and biophysical properties (such as structural, functional, and spatial information, amino acid conservation, physicochemical variation, residue mobility, and thermodynamic stability) performed at Invitae indicates that this missense variant is not expected to disrupt IQCB1 protein function. In summary, the available evidence is currently insufficient to determine the role of this variant in disease. Therefore, it has been classified as a Variant of Uncertain Significance.